The following is an entry in ClinVar:

ClinVar aggregate classification (germline): Uncertain significance (1 of 4 stars; one submission).

Conditions:
Angelman syndrome (AS). Also called: HAPPY PUPPET SYNDROME. Identifiers: Orphanet 72, MedGen C0162635, MONDO:0007113, OMIM 105830. Disease mechanism: loss of function. Inheritance: AS is caused by disruption of maternally imprinted UBE3A located within the 15q11.2-q13 Angelman syndrome/Prader-Willi syndrome (AS/PWS) region., imprinting disorder.

Allele frequency attached by ClinVar (database versions not stated): gnomAD exomes below 0.00001.

Submission:

Labcorp Genetics (formerly Invitae), Labcorp
Classification: Uncertain significance for Angelman syndrome. Last evaluated: 2018-03-23. Review status: criteria provided, single submitter. Criteria: Invitae Variant Classification Sherloc (09022015). Collection method: clinical testing. Allele origin: germline.
Comment: In summary, the available evidence is currently insufficient to determine the role of this variant in disease. Therefore, it has been classified as a Variant of Uncertain Significance. This sequence change replaces lysine with isoleucine at codon 701 of the UBE3A protein (p.Lys701Ile). The lysine residue is highly conserved and there is a moderate physicochemical difference between lysine and isoleucine. This variant is not present in population databases (ExAC no frequency). This variant has been reported as maternally inherited in an individual referred for UBE3A gene testing, however the proband's mother and maternal grandmother were unaffected (PMID: 25212744). Considering that UBE3A is maternally imprinted, the presence of maternal transmission (grandmother) to a clinically unaffected individual (mother) indicates that this variant is not a primary cause of disease. Algorithms developed to predict the effect of missense changes on protein structure and function do not agree on the potential impact of this missense change (SIFT: "Deleterious"; PolyPhen-2: "Benign"; Align-GVGD: "Class C0").

Literature cited by the submitters: PubMed 25212744.

NM_130839.5(UBE3A):c.2162A>T (p.Lys721Ile)

Genes: SNHG14 (small nucleolar RNA host gene 14; plus strand), UBE3A (ubiquitin protein ligase E3A; minus strand). Cytogenetic location: 15q11.2.
Variant type: single nucleotide variant.
Coding change: c.2162A>T on transcript NM_130839.5 (MANE Select); coding-DNA position 2162, A replaced by T.
Protein change: p.Lys721Ile; replaces lysine 721 with isoleucine.
Molecular consequence: missense variant. On other transcripts: non-coding transcript variant (1), intron variant (3).
Genome position (GRCh38, 1-based): chr15:25,354,646, T>A on the plus strand (A>T on the coding strand, the complement: UBE3A is on the minus strand). VCF-style: chr15-25354646-T-A. GRCh37 (hg19) VCF-style: chr15-25599793-T-A.
Other names: c.2171A>T, p.Lys724Ile (NM_000462.5); c.2162A>T, p.Lys721Ile (NM_001354505.1, NM_001354538.2); c.2102A>T, p.Lys701Ile (NM_001354506.2, NM_001354507.2, NM_001354508.2 and 14 more transcripts); c.1985A>T, p.Lys662Ile (NM_001354546.2); c.1937A>T, p.Lys646Ile (NM_001354549.2); c.911A>T, p.Lys304Ile (NM_001354550.2); c.851A>T, p.Lys284Ile (NM_001354551.2); c.2065-220A>T (NM_001354548.2, NM_001354547.2); and 1 more; short protein forms K701I, K284I, K304I, K646I, K721I, K724I, K662I.
Identifiers: ClinVar variation 528367 (VCV000528367.7), dbSNP rs1555389881, ClinGen allele CA391351870.